The following is an entry in ClinVar:

NM_001089.3(ABCA3):c.4165-70G>A

Gene: ABCA3 (ATP binding cassette subfamily A member 3; minus strand). Cytogenetic location: 16p13.3.
Variant type: single nucleotide variant.
Coding change: c.4165-70G>A on transcript NM_001089.3 (MANE Select); 70 bases into the intron before coding-DNA position 4165, G replaced by A.
Molecular consequence: intron variant.
Genome position (GRCh38, 1-based): chr16:2,281,291, C>T on the plus strand (G>A on the coding strand, the complement: ABCA3 is on the minus strand). VCF-style: chr16-2281291-C-T. GRCh37 (hg19) VCF-style: chr16-2331292-C-T.
Identifiers: ClinVar variation 1707330 (VCV001707330.2), dbSNP rs71386663, ClinGen allele CA276820976.

ClinVar aggregate classification (germline): Likely benign (1 of 4 stars; one submission).

Allele frequency attached by ClinVar (database versions not stated): 1000 Genomes Project 0.00080; 1000 Genomes Project 30x 0.00094; gnomAD exomes 0.00361; gnomAD 0.00368.
gnomAD v4.1: 5,768 of 1,613,072 alleles (0.36%); highest among the groups gnomAD compares: Non-Finnish European, 0.35%; 25 homozygotes.

Submission:

GeneDx
Classification: Likely benign. Last evaluated: 2019-07-26. Review status: criteria provided, single submitter. Criteria: GeneDx Variant Classification Process June 2021. Collection method: clinical testing. Allele origin: germline. Affected: yes.
Comment: See Variant Classification Assertion Criteria.